The following is an entry in ClinVar:

NM_000090.4(COL3A1):c.4011G>C (p.Gln1337His)

Gene: COL3A1 (collagen type III alpha 1 chain; plus strand). Cytogenetic location: 2q32.2.
Variant type: single nucleotide variant.
Coding change: c.4011G>C on transcript NM_000090.4 (MANE Select); coding-DNA position 4011, G replaced by C.
Protein change: p.Gln1337His; replaces glutamine 1337 with histidine.
Molecular consequence: missense variant.
Genome position (GRCh38, 1-based): chr2:189,010,365, G>C. VCF-style: chr2-189010365-G-C. GRCh37 (hg19) VCF-style: chr2-189875091-G-C.
Other names: short protein forms Q1337H.
Identifiers: ClinVar variation 4715536 (VCV004715536.1).

ClinVar aggregate classification (germline): Uncertain significance (1 of 4 stars; one submission).

Conditions:
Ehlers-Danlos syndrome, type 4 (EDSVASC). Also called: Ehlers-Danlos syndrome vascular type; Ehlers Danlos syndrome, ecchymotic type; Ehlers Danlos syndrome, arterial type; Ehlers Danlos syndrome, Sack-Barabas type; Ehlers-Danlos Syndrome Type IV. Identifiers: Orphanet 286, MedGen C0268338, MONDO:0017314, OMIM 130050.

Submission:

Labcorp Genetics (formerly Invitae), Labcorp
Classification: Uncertain significance for Ehlers-Danlos syndrome, type 4. Last evaluated: 2025-03-20. Review status: criteria provided, single submitter. Criteria: Invitae Variant Classification Sherloc (09022015). Collection method: clinical testing. Allele origin: germline.
Comment: This sequence change replaces glutamine, which is neutral and polar, with histidine, which is basic and polar, at codon 1337 of the COL3A1 protein (p.Gln1337His). This variant also falls at the last nucleotide of exon 49, which is part of the consensus splice site for this exon. This variant is not present in population databases (gnomAD no frequency). This variant has not been reported in the literature in individuals affected with COL3A1-related conditions. Experimental studies and prediction algorithms are not available or were not evaluated, and the functional significance of this variant is currently unknown. Variants that disrupt the consensus splice site are a relatively common cause of aberrant splicing (PMID: 17576681, 9536098). Algorithms developed to predict the effect of sequence changes on RNA splicing suggest that this variant may disrupt the consensus splice site. In summary, the available evidence is currently insufficient to determine the role of this variant in disease. Therefore, it has been classified as a Variant of Uncertain Significance.

Literature cited by the submitters: PubMed 17576681; PubMed 9536098.